The following is an entry in ClinVar:

NM_181486.4(TBX5):c.408C>G (p.Tyr136Ter)

Gene: TBX5 (T-box transcription factor 5; minus strand). Cytogenetic location: 12q24.21.
Variant type: single nucleotide variant.
Coding change: c.408C>G on transcript NM_181486.4 (MANE Select); coding-DNA position 408, C replaced by G.
Protein change: p.Tyr136Ter; replaces tyrosine 136 with a stop codon.
Molecular consequence: nonsense.
Genome position (GRCh38, 1-based): chr12:114,398,675, G>C on the plus strand (C>G on the coding strand, the complement: TBX5 is on the minus strand). VCF-style: chr12-114398675-G-C. GRCh37 (hg19) VCF-style: chr12-114836480-G-C.
Other names: c.408C>G, p.Tyr136Ter (NM_000192.3); c.258C>G, p.Tyr86Ter (NM_080717.4); short protein forms Y136*, Y86*.
Identifiers: ClinVar variation 620372 (VCV000620372.4), dbSNP rs104894379, ClinGen allele CA386862160.

ClinVar aggregate classification (germline): Pathogenic. Review status: criteria provided, multiple submitters, no conflicts (2 of 4 stars). 2 submissions from 2 submitters: Pathogenic (2). Last evaluated 2025-02-27.

Conditions:
Holt-Oram syndrome (HOS). Also called: Ventriculo-radial syndrome; Cardiac-limb syndrome; Heart-hand syndrome, type 1; TBX5-Related Holt-Oram Syndrome. Identifiers: Orphanet 392, MedGen C0265264, MONDO:0007732, OMIM 142900.

Submissions (2):

Centre of Medical Genetics, University Hospital Muenster
Classification: Pathogenic for Holt-Oram syndrome. Last evaluated: 2025-02-27. Review status: criteria provided, single submitter. Criteria: ACMG Guidelines, 2015. Collection method: clinical testing. Allele origin: unknown. Affected: yes. Observed: 1 variant allele, 1 heterozygote.
Comment: ACMG categories: PVS1,PM2

GeneDx
Classification: Pathogenic. Last evaluated: 2021-05-14. Review status: criteria provided, single submitter. Criteria: GeneDx Variant Classification Process June 2021. Collection method: clinical testing. Allele origin: germline. Affected: yes.
Comment: Nonsense variant predicted to result in protein truncation or nonsense mediated decay in a gene for which loss-of-function is a known mechanism of disease; Not observed in large population cohorts (Lek et al., 2016); Has not been previously published as pathogenic or benign to our knowledge